The following is an entry in ClinVar:

NM_000059.4(BRCA2):c.7910C>T (p.Ala2637Val)

Gene: BRCA2 (BRCA2 DNA repair associated; plus strand). Cytogenetic location: 13q13.1.
Variant type: single nucleotide variant.
Coding change: c.7910C>T on transcript NM_000059.4 (MANE Select); coding-DNA position 7910, C replaced by T.
Protein change: p.Ala2637Val; replaces alanine 2637 with valine.
Molecular consequence: missense variant.
Genome position (GRCh38, 1-based): chr13:32,362,627, C>T. VCF-style: chr13-32362627-C-T. GRCh37 (hg19) VCF-style: chr13-32936764-C-T.
Other names: p.A2637V:GCC>GTC; short protein forms A2637V.
Identifiers: ClinVar variation 182246 (VCV000182246.12), dbSNP rs730881561, ClinGen allele CA025329.

ClinVar aggregate classification (germline): Conflicting classifications of pathogenicity. Review status: criteria provided, conflicting classifications (1 of 4 stars). 4 submissions from 4 submitters: Uncertain significance (3); Likely benign (1). Last evaluated 2025-05-15.

Conditions:
Hereditary cancer-predisposing syndrome. Also called: Tumor predisposition; Hereditary Cancer Syndrome; Hereditary neoplastic syndrome; Neoplastic Syndromes, Hereditary. Identifiers: Orphanet 140162, MedGen C0027672, MeSH D009386, MONDO:0015356.
Hereditary breast ovarian cancer syndrome. Also called: Breast and ovarian cancer; Hereditary breast and ovarian cancer; Hereditary breast and/or ovarian cancer syndrome; BRCA1- and BRCA2-Associated Hereditary Breast and Ovarian Cancer; Hereditary breast and ovarian cancer syndrome (HBOC); Hereditary breast and ovarian cancer syndrome. Identifiers: Orphanet 145, MedGen C0677776, MeSH D061325, MONDO:0003582. Disease mechanism: loss of function.
Familial cancer of breast. Also called: BREAST CANCER, FAMILIAL; Hereditary breast cancer; hereditary breast carcinoma. Identifiers: Orphanet 227535, MedGen C0346153, MONDO:0016419, OMIM 114480. Disease mechanism: loss of function.

Submissions (4):

Ambry Genetics
Classification: Likely benign for Hereditary cancer-predisposing syndrome. Last evaluated: 2025-05-15. Review status: criteria provided, single submitter. Criteria: Ambry Variant Classification Scheme 2023. Collection method: clinical testing. Allele origin: germline.

Labcorp Genetics (formerly Invitae), Labcorp
Classification: Uncertain significance for Hereditary breast ovarian cancer syndrome. Last evaluated: 2024-01-25. Review status: criteria provided, single submitter. Criteria: Invitae Variant Classification Sherloc (09022015). Collection method: clinical testing. Allele origin: germline.
Comment: This sequence change replaces alanine, which is neutral and non-polar, with valine, which is neutral and non-polar, at codon 2637 of the BRCA2 protein (p.Ala2637Val). This variant is not present in population databases (gnomAD no frequency). This variant has not been reported in the literature in individuals affected with BRCA2-related conditions. ClinVar contains an entry for this variant (Variation ID: 182246). Advanced modeling of protein sequence and biophysical properties (such as structural, functional, and spatial information, amino acid conservation, physicochemical variation, residue mobility, and thermodynamic stability) performed at Invitae indicates that this missense variant is not expected to disrupt BRCA2 protein function with a negative predictive value of 95%. In summary, the available evidence is currently insufficient to determine the role of this variant in disease. Therefore, it has been classified as a Variant of Uncertain Significance.

Baylor Genetics
Classification: Uncertain significance for Familial cancer of breast. Last evaluated: 2023-08-11. Review status: criteria provided, single submitter. Criteria: ACMG Guidelines, 2015. Collection method: clinical testing. Allele origin: unknown.

GeneDx
Classification: Uncertain significance. Last evaluated: 2014-06-05. Review status: criteria provided, single submitter. Criteria: GeneDx Variant Classification (06012015). Collection method: clinical testing. Allele origin: germline. Affected: yes.
Comment: This variant is denoted BRCA2 c.7910C>T at the cDNA level, p.Ala2637Val (A2637V) at the protein level, and results in the change of an Alanine to a Valine (GCC>GTC). This variant has not, to our knowledge, been published in the literature as pathogenic or benign. BRCA2 Ala2637Val was not observed in approximately 6,500 individuals of European and African American ancestry in the NHLBI Exome Sequencing Project, indicating it is not a common benign variant in these populations. Since Alanine and Valine share similar properties, this is considered a conservative amino acid substitution. BRCA2 Ala2637Val occurs at a position that is highly variable across species and is located in the DNA-binding domain (Borg 2010). In addition, in silico analyses are inconsistent regarding the effect this variant may have on protein structure and function. Based on currently available information, it is unclear whether BRCA2 Ala2637Val is pathogenic or benign. We consider it to be a variant of uncertain significance.